The following is an entry in ClinVar:

ClinVar aggregate classification (germline): Uncertain significance (1 of 4 stars; one submission).

Conditions:
Cardiovascular phenotype. Identifiers: MedGen CN230736.

gnomAD v4.1: 1 of 1,611,172 alleles (0.000062%); highest among the groups gnomAD compares: East Asian, 0.0022%; no homozygotes.

Submission:

Ambry Genetics
Classification: Uncertain significance for Cardiovascular phenotype. Last evaluated: 2022-04-10. Review status: criteria provided, single submitter. Criteria: Ambry Variant Classification Scheme 2023. Collection method: clinical testing. Allele origin: germline.
Comment: The p.N66D variant (also known as c.196A>G), located in coding exon 3 of the APOA5 gene, results from an A to G substitution at nucleotide position 196. The asparagine at codon 66 is replaced by aspartic acid, an amino acid with highly similar properties. This amino acid position is conserved. In addition, this alteration is predicted to be tolerated by in silico analysis. Since supporting evidence is limited at this time, the clinical significance of this alteration remains unclear.

NM_001371904.1(APOA5):c.196A>G (p.Asn66Asp)

Gene: APOA5 (apolipoprotein A5; minus strand). Cytogenetic location: 11q23.3.
Variant type: single nucleotide variant.
Coding change: c.196A>G on transcript NM_001371904.1 (MANE Select); coding-DNA position 196, A replaced by G.
Protein change: p.Asn66Asp; replaces asparagine 66 with aspartic acid.
Molecular consequence: missense variant.
Genome position (GRCh38, 1-based): chr11:116,791,033, T>C on the plus strand (A>G on the coding strand, the complement: APOA5 is on the minus strand). VCF-style: chr11-116791033-T-C. GRCh37 (hg19) VCF-style: chr11-116661749-T-C.
Other names: c.196A>G, p.Asn66Asp (NM_001166598.2, NM_052968.5); short protein forms N66D.
Identifiers: ClinVar variation 1783579 (VCV001783579.2), dbSNP rs2540245045, ClinGen allele CA382740223.
Genomic context (GRCh38, chr11:116,791,033, plus strand): 5'-GGAGCCGAGGAGCCTCGCTCCCACTCAGAGGCCTCAGCTTTTCCAGGAACTTGTTCATAT[T>C]GTTGAGGTCTTGCTCAAGGCTGTCTTTCAGGGTCCTGGAGAAGGGGACAGATATCCAGGC-3'
Protein context (NP_001358833.1, residues 56-76): LKDSLEQDLN[Asn66Asp]MNKFLEKLRP